The following is an entry in ClinVar:

ClinVar aggregate classification (germline): Uncertain significance (1 of 4 stars; one submission).

Conditions:
Hereditary cancer-predisposing syndrome. Also called: Neoplastic Syndromes, Hereditary; Tumor predisposition; Hereditary neoplastic syndrome; Hereditary Cancer Syndrome. Identifiers: Orphanet 140162, MedGen C0027672, MeSH D009386, MONDO:0015356.

Submission:

Ambry Genetics
Classification: Uncertain significance for Hereditary cancer-predisposing syndrome. Last evaluated: 2023-01-01. Review status: criteria provided, single submitter. Criteria: Ambry Variant Classification Scheme 2023. Collection method: clinical testing. Allele origin: germline.
Comment: The p.N98Y variant (also known as c.292A>T), located in coding exon 3 of the BARD1 gene, results from an A to T substitution at nucleotide position 292. The asparagine at codon 98 is replaced by tyrosine, an amino acid with dissimilar properties. This amino acid position is conserved. In addition, the in silico prediction for this alteration is inconclusive. Since supporting evidence is limited at this time, the clinical significance of this alteration remains unclear.

NM_000465.4(BARD1):c.292A>T (p.Asn98Tyr)

Gene: BARD1 (BRCA1 associated RING domain 1; minus strand). Cytogenetic location: 2q35.
Variant type: single nucleotide variant.
Coding change: c.292A>T on transcript NM_000465.4 (MANE Select); coding-DNA position 292, A replaced by T.
Protein change: p.Asn98Tyr; replaces asparagine 98 with tyrosine.
Molecular consequence: missense variant. On other transcripts: non-coding transcript variant (1), intron variant (2).
Genome position (GRCh38, 1-based): chr2:214,792,369, T>A on the plus strand (A>T on the coding strand, the complement: BARD1 is on the minus strand). VCF-style: chr2-214792369-T-A. GRCh37 (hg19) VCF-style: chr2-215657093-T-A.
Other names: c.235A>T, p.Asn79Tyr (NM_001282543.2); c.292A>T, p.Asn98Tyr (NM_001282549.2); c.158+17043A>T (NM_001282548.2); c.215+4692A>T (NM_001282545.2); short protein forms N98Y, N79Y.
Identifiers: ClinVar variation 2450474 (VCV002450474.2), dbSNP rs1444375563, ClinGen allele CA350461030.